The following is an entry in ClinVar:

ClinVar aggregate classification (germline): Uncertain significance (1 of 4 stars; one submission).

Submission:

GeneDx
Classification: Uncertain significance. Last evaluated: 2026-01-31. Review status: criteria provided, single submitter. Criteria: GeneDx Variant Classification Process June 2021. Collection method: clinical testing. Allele origin: germline.
Comment: Not observed at significant frequency in large population cohorts (gnomAD); In silico analysis suggests that this missense variant does not alter protein structure/function; Has not been previously published as pathogenic or benign to our knowledge

NM_001005273.3(CHD3):c.4853A>C (p.Glu1618Ala)

Gene: CHD3 (chromodomain helicase DNA binding protein 3; plus strand). Cytogenetic location: 17p13.1.
Variant type: single nucleotide variant.
Coding change: c.4853A>C on transcript NM_001005273.3 (MANE Select); coding-DNA position 4853, A replaced by C.
Protein change: p.Glu1618Ala; replaces glutamic acid 1618 with alanine.
Molecular consequence: missense variant.
Genome position (GRCh38, 1-based): chr17:7,907,417, A>C. VCF-style: chr17-7907417-A-C. GRCh37 (hg19) VCF-style: chr17-7810735-A-C.
Other names: c.5030A>C, p.Glu1677Ala (NM_001005271.3, NM_001437504.1); c.5018A>C, p.Glu1673Ala (NM_001437507.1, NM_001437508.1, NM_001437509.1); c.4853A>C, p.Glu1618Ala (NM_005852.4); short protein forms E1618A, E1673A, E1677A.
Identifiers: ClinVar variation 4975559 (VCV004975559.1).